The following is an entry in ClinVar:

ClinVar aggregate classification (germline): Uncertain significance (1 of 4 stars; one submission).

Conditions:
CLTC-related disorder. Also called: CLTC-related condition.

gnomAD v4.1: 1 of 1,613,388 alleles (0.000062%); highest among the groups gnomAD compares: Admixed American, 0.0017%; no homozygotes.

Submission:

PreventionGenetics, part of Exact Sciences
Classification: Uncertain significance for CLTC-related condition. Last evaluated: 2025-01-04. Review status: criteria provided, single submitter. Criteria: ACMG Guidelines, 2015. Collection method: clinical testing. Allele origin: germline.
Comment: The CLTC c.2102C>G variant is predicted to result in the amino acid substitution p.Ser701Cys. To our knowledge, this variant has not been reported in the literature. This variant is reported in 0.0029% of alleles in individuals of Latino descent in gnomAD. At this time, the clinical significance of this variant is uncertain due to the absence of conclusive functional and genetic evidence.

NM_004859.4(CLTC):c.2090C>G (p.Ser697Cys)

Gene: CLTC (clathrin heavy chain; plus strand). Cytogenetic location: 17q23.1.
Variant type: single nucleotide variant.
Coding change: c.2090C>G on transcript NM_004859.4 (MANE Select); coding-DNA position 2090, C replaced by G.
Protein change: p.Ser697Cys; replaces serine 697 with cysteine.
Molecular consequence: missense variant.
Genome position (GRCh38, 1-based): chr17:59,666,939, C>G. VCF-style: chr17-59666939-C-G. GRCh37 (hg19) VCF-style: chr17-57744300-C-G.
Other names: c.2102C>G, p.Ser701Cys (NM_001288653.2); short protein forms S701C, S697C.
Identifiers: ClinVar variation 4990282 (VCV004990282.1).
Genomic context (GRCh38, chr17:59,666,939, plus strand): 5'-AGAATCTGCAGATTTGTGTTCAGGTGGCTTCTAAATATCATGAACAACTGTCAACTCAGT[C>G]TCTGATTGAACTTTTTGAATCTTTCAAGAGTTTTGAAGGTAATTAGGAGTTTTTGAGTTT-3'
Protein context (NP_004850.1, residues 687-707): SKYHEQLSTQ[Ser697Cys]LIELFESFKS